The following is an entry in ClinVar:

NM_013275.6(ANKRD11):c.6004T>G (p.Ser2002Ala)

Gene: ANKRD11 (ankyrin repeat domain 11; minus strand). Cytogenetic location: 16q24.3.
Variant type: single nucleotide variant.
Coding change: c.6004T>G on transcript NM_013275.6 (MANE Select); coding-DNA position 6004, T replaced by G.
Protein change: p.Ser2002Ala; replaces serine 2002 with alanine.
Molecular consequence: missense variant.
Genome position (GRCh38, 1-based): chr16:89,280,538, A>C on the plus strand (T>G on the coding strand, the complement: ANKRD11 is on the minus strand). VCF-style: chr16-89280538-A-C. GRCh37 (hg19) VCF-style: chr16-89346946-A-C.
Other names: c.6004T>G, p.Ser2002Ala (NM_001256182.2, NM_001256183.2); short protein forms S2002A.
Identifiers: ClinVar variation 4998096 (VCV004998096.1).
Genomic context (GRCh38, chr16:89,280,538, plus strand): 5'-GAGAGGCGGGAGGGGCGGGGTACGGCGCCTCCGAGGCGCTGAAGGGCCCTGGGGCGGCAG[A>C]GTGGAGGGGGTCCGCGGGGCAGAAACGCTTTGGGGACTCGGGGAATCTCTGTGGAGACTT-3'
Protein context (NP_037407.4, residues 1992-2012): KRFCPADPLH[Ser2002Ala]AAPGPFSASE

ClinVar aggregate classification (germline): Uncertain significance (1 of 4 stars; one submission).

Conditions:
ANKRD11-related disorder. Also called: ANKRD11-related condition.

Submission:

PreventionGenetics, part of Exact Sciences
Classification: Uncertain significance for ANKRD11-related condition. Last evaluated: 2024-12-12. Review status: criteria provided, single submitter. Criteria: ACMG Guidelines, 2015. Collection method: clinical testing. Allele origin: germline.
Comment: The ANKRD11 c.6004T>G variant is predicted to result in the amino acid substitution p.Ser2002Ala. To our knowledge, this variant has not been reported in the literature or in a large population database (gnomAD), indicating this variant is rare. At this time, the clinical significance of this variant is uncertain due to the absence of conclusive functional and genetic evidence.